The following is an entry in ClinVar:

ClinVar aggregate classification (germline): Uncertain significance. Review status: criteria provided, multiple submitters, no conflicts (2 of 4 stars). 2 submissions from 2 submitters: Uncertain significance (2). Last evaluated 2026-03-15.

Conditions:
Hereditary cancer-predisposing syndrome. Also called: Hereditary neoplastic syndrome; Neoplastic Syndromes, Hereditary; Tumor predisposition; Hereditary Cancer Syndrome. Identifiers: Orphanet 140162, MedGen C0027672, MeSH D009386, MONDO:0015356.

Submissions (2):

Ambry Genetics
Classification: Uncertain significance for Hereditary cancer-predisposing syndrome. Last evaluated: 2026-03-15. Review status: criteria provided, single submitter. Criteria: Ambry Variant Classification Scheme 2023. Collection method: clinical testing. Allele origin: germline.
Comment: The p.A241G variant (also known as c.722C>G), located in coding exon 8 of the POLE gene, results from a C to G substitution at nucleotide position 722. The alanine at codon 241 is replaced by glycine, an amino acid with similar properties. This amino acid position is conserved. In addition, this alteration is predicted to be tolerated by in silico analysis. Based on the available evidence, the clinical significance of this variant remains unclear.

Labcorp Genetics (formerly Invitae), Labcorp
Classification: Uncertain significance. Last evaluated: 2020-10-03. Review status: criteria provided, single submitter. Criteria: Invitae Variant Classification Sherloc (09022015). Collection method: clinical testing. Allele origin: germline.
Comment: In summary, the available evidence is currently insufficient to determine the role of this variant in disease. Therefore, it has been classified as a Variant of Uncertain Significance. Algorithms developed to predict the effect of missense changes on protein structure and function (SIFT, PolyPhen-2, Align-GVGD) all suggest that this variant is likely to be tolerated, but these predictions have not been confirmed by published functional studies and their clinical significance is uncertain. This variant has not been reported in the literature in individuals with POLE-related conditions. This variant is not present in population databases (ExAC no frequency). This sequence change replaces alanine with glycine at codon 241 of the POLE protein (p.Ala241Gly). The alanine residue is moderately conserved and there is a small physicochemical difference between alanine and glycine.

NM_006231.4(POLE):c.722C>G (p.Ala241Gly)

Gene: POLE (DNA polymerase epsilon, catalytic subunit; minus strand). Cytogenetic location: 12q24.33.
Variant type: single nucleotide variant.
Coding change: c.722C>G on transcript NM_006231.4 (MANE Select); coding-DNA position 722, C replaced by G.
Protein change: p.Ala241Gly; replaces alanine 241 with glycine.
Molecular consequence: missense variant.
Genome position (GRCh38, 1-based): chr12:132,677,442, G>C on the plus strand (C>G on the coding strand, the complement: POLE is on the minus strand). VCF-style: chr12-132677442-G-C. GRCh37 (hg19) VCF-style: chr12-133254028-G-C.
Other names: c.722C>G (NM_006231.2); short protein forms A241G.
Identifiers: ClinVar variation 1019730 (VCV001019730.9), dbSNP rs2043079700, ClinGen allele CA387364563.